The following is an entry in ClinVar:

ClinVar aggregate classification (germline): Uncertain significance (1 of 4 stars; one submission).

Allele frequency attached by ClinVar (database versions not stated): TOPMed below 0.00001.

Submission:

GeneDx
Classification: Uncertain significance. Last evaluated: 2022-08-15. Review status: criteria provided, single submitter. Criteria: GeneDx Variant Classification Process June 2021. Collection method: clinical testing. Allele origin: germline. Affected: yes.
Comment: Not observed at significant frequency in large population cohorts (gnomAD); In silico analysis supports that this missense variant has a deleterious effect on protein structure/function; Has not been previously published as pathogenic or benign to our knowledge

NM_018489.3(ASH1L):c.6938C>T (p.Ser2313Phe)

Gene: ASH1L (ASH1 like histone lysine methyltransferase; minus strand). Cytogenetic location: 1q22.
Variant type: single nucleotide variant.
Coding change: c.6938C>T on transcript NM_018489.3 (MANE Select); coding-DNA position 6938, C replaced by T.
Protein change: p.Ser2313Phe; replaces serine 2313 with phenylalanine.
Molecular consequence: missense variant.
Genome position (GRCh38, 1-based): chr1:155,357,607, G>A on the plus strand (C>T on the coding strand, the complement: ASH1L is on the minus strand). VCF-style: chr1-155357607-G-A. GRCh37 (hg19) VCF-style: chr1-155327398-G-A.
Other names: c.6953C>T, p.Ser2318Phe (NM_001366177.2); short protein forms S2313F, S2318F.
Identifiers: ClinVar variation 1695854 (VCV001695854.3), dbSNP rs1654532787, ClinGen allele CA342749974.